The following is an entry in ClinVar:

NM_000395.3(CSF2RB):c.299G>T (p.Cys100Phe)

Genes: CSF2RB (colony stimulating factor 2 receptor subunit beta; plus strand), LOC126863140 (BRD4-independent group 4 enhancer GRCh37_chr22:37321546-37322745; plus strand). Cytogenetic location: 22q12.3.
Variant type: single nucleotide variant.
Coding change: c.299G>T on transcript NM_000395.3 (MANE Select); coding-DNA position 299, G replaced by T.
Protein change: p.Cys100Phe; replaces cysteine 100 with phenylalanine.
Molecular consequence: missense variant.
Genome position (GRCh38, 1-based): chr22:36,926,085, G>T. VCF-style: chr22-36926085-G-T. GRCh37 (hg19) VCF-style: chr22-37322127-G-T.
Other names: c.299G>T, p.Cys100Phe (NM_001410827.1); short protein forms C100F.
Identifiers: ClinVar variation 2829998 (VCV002829998.3), dbSNP rs2517982390, ClinGen allele CA411403630.

ClinVar aggregate classification (germline): Uncertain significance (1 of 4 stars; one submission).

Submission:

Labcorp Genetics (formerly Invitae), Labcorp
Classification: Uncertain significance. Last evaluated: 2024-02-28. Review status: criteria provided, single submitter. Criteria: Invitae Variant Classification Sherloc (09022015). Collection method: clinical testing. Allele origin: germline.
Comment: This sequence change replaces cysteine, which is neutral and slightly polar, with phenylalanine, which is neutral and non-polar, at codon 100 of the CSF2RB protein (p.Cys100Phe). This variant is not present in population databases (gnomAD no frequency). This variant has not been reported in the literature in individuals affected with CSF2RB-related conditions. Advanced modeling of protein sequence and biophysical properties (such as structural, functional, and spatial information, amino acid conservation, physicochemical variation, residue mobility, and thermodynamic stability) performed at Invitae indicates that this missense variant is not expected to disrupt CSF2RB protein function with a negative predictive value of 80%. In summary, the available evidence is currently insufficient to determine the role of this variant in disease. Therefore, it has been classified as a Variant of Uncertain Significance.